The following is an entry in ClinVar:

ClinVar aggregate classification (germline): Likely pathogenic (1 of 4 stars; one submission).

Conditions:
Usher syndrome type 1C. Also called: USHER SYNDROME, TYPE I, ACADIAN VARIETY. Identifiers: Orphanet 231169, Orphanet 886, MedGen C1848604, MONDO:0010171, OMIM 276904.

Submission:

Myriad Genetics, Inc.
Classification: Likely pathogenic for Usher syndrome type 1C. Last evaluated: 2022-01-02. Review status: criteria provided, single submitter. Criteria: Myriad Women's Health Autosomal Recessive and X-Linked Classification Criteria (2021). Collection method: clinical testing. Allele origin: unknown.
Comment: NM_005709.3(USH1C):c.84_85ins8(V29Kfs*21) is expected to be pathogenic in the context of USH1C-related disorders. This variant is predicted to lead to an abnormal or absent protein product due to the creation of a premature termination codon in USH1C, a gene where loss-of-function variants are known to be pathogenic. Please note: this variant was assessed in the context of healthy population screening.

NM_153676.4(USH1C):c.84_85insAAGAGACA (p.Val29fs)

Gene: USH1C (USH1 protein network component harmonin; minus strand). Cytogenetic location: 11p15.1.
Variant type: Insertion.
Coding change: c.84_85insAAGAGACA on transcript NM_153676.4 (MANE Select); coding-DNA positions 84 to 85, AAGAGACA inserted.
Protein change: p.Val29fs; shifts the reading frame from valine 29.
Molecular consequence: frameshift variant. On other transcripts: non-coding transcript variant (1).
Genome position: GRCh38 VCF-style: chr11-17533274-C-CTGTCTCTT. GRCh37 (hg19) VCF-style: chr11-17554821-C-CTGTCTCTT.
Other names: c.84_85insAAGAGACA, p.Val29fs (NM_001297764.2, NM_005709.4); short protein forms V29fs.
Identifiers: ClinVar variation 1726825 (VCV001726825.2), dbSNP rs2497241170, ClinGen allele CA2580082813.